The following is an entry in ClinVar:

NM_002230.4(JUP):c.1773+3G>A

Gene: JUP (junction plakoglobin; minus strand). Cytogenetic location: 17q21.2.
Variant type: single nucleotide variant.
Coding change: c.1773+3G>A on transcript NM_002230.4 (MANE Select); 3 bases into the intron after coding-DNA position 1773, G replaced by A.
Molecular consequence: intron variant.
Genome position (GRCh38, 1-based): chr17:41,758,396, C>T on the plus strand (G>A on the coding strand, the complement: JUP is on the minus strand). VCF-style: chr17-41758396-C-T. GRCh37 (hg19) VCF-style: chr17-39914648-C-T.
Other names: c.1773+3G>A (NM_002230.2, NM_001352774.2, NM_021991.4 and 4 more transcripts).
Identifiers: ClinVar variation 1055778 (VCV001055778.8), dbSNP rs1460748612, ClinGen allele CA772061988.

ClinVar aggregate classification (germline): Uncertain significance. Review status: criteria provided, multiple submitters, no conflicts (2 of 4 stars). 2 submissions from 2 submitters: Uncertain significance (2). Last evaluated 2025-11-25.

Conditions:
Naxos disease (NXD). Also called: KERATOSIS PALMOPLANTARIS WITH ARRHYTHMOGENIC CARDIOMYOPATHY; MAL DE NAXOS; PALMOPLANTAR KERATODERMA WITH ARRHYTHMOGENIC RIGHT VENTRICULAR CARDIOMYOPATHY AND WOOLLY HAIR; WOOLLY HAIR, PALMOPLANTAR KERATODERMA, AND CARDIAC ABNORMALITIES; CARDIOMYOPATHY, ARRHYTHMOGENIC RIGHT VENTRICULAR, WITH SKIN, HAIR, AND NAIL ABNORMALITIES. Identifiers: Orphanet 34217, MedGen C1832600, MONDO:0011017, OMIM 601214.
Arrhythmogenic right ventricular dysplasia 12. Also called: ARRHYTHMOGENIC RIGHT VENTRICULAR DYSPLASIA, FAMILIAL, 12. Identifiers: MedGen C1969081, MONDO:0012684, OMIM 611528.
Cardiovascular phenotype. Identifiers: MedGen CN230736.

Allele frequency attached by ClinVar (database versions not stated): gnomAD exomes below 0.00001.
gnomAD v4.1: 2 of 1,612,910 alleles (0.00012%); highest among the groups gnomAD compares: Non-Finnish European, 0.00017%; no homozygotes.

Submissions (2):

Ambry Genetics
Classification: Uncertain significance for Cardiovascular phenotype. Last evaluated: 2025-11-25. Review status: criteria provided, single submitter. Criteria: Ambry Variant Classification Scheme 2023. Collection method: clinical testing. Allele origin: germline.
Comment: The c.1773+3G>A intronic variant results from a G to A substitution 3 nucleotides after coding exon 9 in the JUP gene. This nucleotide position is well conserved in available vertebrate species. In silico splice site analysis predicts that this alteration will not have any significant effect on splicing. Since supporting evidence is limited at this time, the clinical significance of this alteration remains unclear.

Labcorp Genetics (formerly Invitae), Labcorp
Classification: Uncertain significance for Arrhythmogenic right ventricular dysplasia 12; Naxos disease. Last evaluated: 2023-08-28. Review status: criteria provided, single submitter. Criteria: Invitae Variant Classification Sherloc (09022015). Collection method: clinical testing. Allele origin: germline.
Comment: In summary, the available evidence is currently insufficient to determine the role of this variant in disease. Therefore, it has been classified as a Variant of Uncertain Significance. Variants that disrupt the consensus splice site are a relatively common cause of aberrant splicing (PMID: 17576681, 9536098). Algorithms developed to predict the effect of sequence changes on RNA splicing suggest that this variant is not likely to affect RNA splicing. This sequence change falls in intron 10 of the JUP gene. It does not directly change the encoded amino acid sequence of the JUP protein. It affects a nucleotide within the consensus splice site. This variant is not present in population databases (gnomAD no frequency). This variant has not been reported in the literature in individuals affected with JUP-related conditions. ClinVar contains an entry for this variant (Variation ID: 1055778).

Literature cited by the submitters: PubMed 17576681 (cited by Labcorp Genetics (formerly Invitae), Labcorp); PubMed 9536098 (cited by Labcorp Genetics (formerly Invitae), Labcorp).